The following is an entry in ClinVar:

NM_001384474.1(LOXHD1):c.2575C>T (p.Arg859Trp)

Gene: LOXHD1 (lipoxygenase homology PLAT domains 1; minus strand). Cytogenetic location: 18q21.1.
Variant type: single nucleotide variant.
Coding change: c.2575C>T on transcript NM_001384474.1 (MANE Select); coding-DNA position 2575, C replaced by T.
Protein change: p.Arg859Trp; replaces arginine 859 with tryptophan.
Molecular consequence: missense variant.
Genome position (GRCh38, 1-based): chr18:46,563,088, G>A on the plus strand (C>T on the coding strand, the complement: LOXHD1 is on the minus strand). VCF-style: chr18-46563088-G-A. GRCh37 (hg19) VCF-style: chr18-44143051-G-A.
Other names: c.2575C>T, p.Arg859Trp (NM_144612.7); short protein forms R859W.
Identifiers: ClinVar variation 326858 (VCV000326858.15), dbSNP rs372546084, ClinGen allele CA8952661.

ClinVar aggregate classification (germline): Uncertain significance. Review status: criteria provided, multiple submitters, no conflicts (2 of 4 stars). 6 submissions from 6 submitters: Uncertain significance (5). 1 of the submissions does not count toward it. Last evaluated 2024-10-31.

Conditions:
Autosomal recessive nonsyndromic hearing loss 77. Identifiers: Orphanet 90636, MedGen C2746083, MONDO:0013119, OMIM 613079.
Hearing impairment. Also called: Impaired Hearing. Identifiers: MedGen C1384666, MONDO:0005365, HP:0000365.

Allele frequency attached by ClinVar (database versions not stated): 1000 Genomes Project 30x 0.00016; 1000 Genomes Project 0.00020; ESP Exome Variant Server 0.00022; ExAC 0.00023; gnomAD exomes 0.00033; TOPMed 0.00034; gnomAD 0.00040 and 0.00043.
gnomAD v4.1: 420 of 1,544,708 alleles (0.027%); highest among the groups gnomAD compares: Admixed American, 0.12%; no homozygotes.

Submissions (6):

Blueprint Genetics
Classification: Uncertain significance. Last evaluated: 2024-10-31. Review status: criteria provided, single submitter. Criteria: ACMG Guidelines, 2015. Collection method: clinical testing. Allele origin: germline.

Labcorp Genetics (formerly Invitae), Labcorp
Classification: Uncertain significance. Last evaluated: 2022-10-24. Review status: criteria provided, single submitter. Criteria: Invitae Variant Classification Sherloc (09022015). Collection method: clinical testing. Allele origin: germline.
Comment: This sequence change replaces arginine, which is basic and polar, with tryptophan, which is neutral and slightly polar, at codon 859 of the LOXHD1 protein (p.Arg859Trp). This variant is present in population databases (rs372546084, gnomAD 0.06%). This missense change has been observed in individual(s) with deafness (PMID: 29309402). ClinVar contains an entry for this variant (Variation ID: 326858). Algorithms developed to predict the effect of missense changes on protein structure and function are either unavailable or do not agree on the potential impact of this missense change (SIFT: "Deleterious"; PolyPhen-2: "Possibly Damaging"; Align-GVGD: "Class C0"). In summary, the available evidence is currently insufficient to determine the role of this variant in disease. Therefore, it has been classified as a Variant of Uncertain Significance.

Department of Otolaryngology – Head & Neck Surgery, Cochlear Implant Center
Classification: Uncertain significance for Hearing impairment. Last evaluated: 2021-04-12. Review status: criteria provided, single submitter. Criteria: ClinGen HL ACMG Specifications v1. Collection method: clinical testing. Allele origin: germline. Affected: yes.
Comment: PM2_Supporting, BP4_Supporting

Laboratory for Molecular Medicine, Mass General Brigham Personalized Medicine
Classification: Uncertain significance. Last evaluated: 2018-09-06. Review status: criteria provided, single submitter. Criteria: LMM Criteria. Collection method: clinical testing. Allele origin: germline. Observed: 3 variant alleles.
Comment: The p.Arg859Trp variant in LOXHD1 has been reported in 2 individuals with hearin g loss, one of whom had an additional variant in the PTPRQ gene that segregated with hearing loss in other affected family members (LMM data, Eisenberger 2018). The p.Arg859Trp variant has also been identified in 0.056% (14/24786) of Latino chromosomes by gnomAD, and has been reported in ClinVar (Variation ID 326858). Computational prediction tools and conservati on analysis suggest that the p.Arg859Trp variant may impact the protein, though this information is not predictive enough to determine pathogenicity. In summar y, the clinical significance of the p.Arg859Trp variant is uncertain. ACMG/AMP C riteria applied: PM2_Supporting, PP3.

Illumina Laboratory Services, Illumina
Classification: Uncertain significance for Autosomal recessive nonsyndromic hearing loss 77. Last evaluated: 2018-01-13. Review status: criteria provided, single submitter. Criteria: ICSL Variant Classification Criteria 13 December 2019. Collection method: clinical testing. Allele origin: germline.

Natera, Inc.
Classification: Uncertain significance for Autosomal recessive deafness type 77. Last evaluated: 2020-09-16. Review status: no assertion criteria provided. Collection method: clinical testing. Allele origin: germline. Not counted in ClinVar's aggregate classification.

Literature cited by the submitters: PubMed 29309402 (cited by Labcorp Genetics (formerly Invitae), Labcorp and Laboratory for Molecular Medicine, Mass General Brigham Personalized Medicine).